The following is an entry in ClinVar:

ClinVar aggregate classification (germline): Pathogenic. Review status: criteria provided, multiple submitters, no conflicts (2 of 4 stars). 6 submissions from 6 submitters: Pathogenic (4). 2 of the submissions do not count toward it. Last evaluated 2025-10-29.

Conditions:
Rhizomelic chondrodysplasia punctata (RCDP). Identifiers: Orphanet 177, MedGen C0282529, MONDO:0015776. Disease mechanism: loss of function.
Peroxisome biogenesis disorder 9B. Also called: Refsum disease, adult, 2; PEX7-Related Refsum Disease; PEROXISOME BIOGENESIS DISORDER, PEX7-RELATED, ATYPICAL. Identifiers: Orphanet 773, MedGen C2749346, MONDO:0013945, OMIM 614879.
Rhizomelic chondrodysplasia punctata type 1 (RCDP1). Also called: PEROXISOME BIOGENESIS DISORDER 9; CHONDRODYSTROPHIA CALCIFICANS PUNCTATA; PEX7-Related Rhizomelic Chondrodysplasia Punctata. Identifiers: Orphanet 177, Orphanet 309789, MedGen C1859133, MONDO:0008972, OMIM 215100. Disease mechanism: loss of function.

Allele frequency attached by ClinVar (database versions not stated): ExAC 0.00008; TOPMed below 0.00001; gnomAD 0.00001; gnomAD exomes 0.00004 and 0.00002.
gnomAD v4.1: 30 of 1,593,286 alleles (0.0019%); highest among the groups gnomAD compares: Non-Finnish European, 0.0024%; no homozygotes.

Submissions (6):

Natera, Inc.
Classification: Pathogenic for Rhizomelic Chondrodysplasia Punctata. Last evaluated: 2025-10-29. Review status: criteria provided, single submitter. Criteria: Natera Variant Classification Schema (03/2026). Collection method: clinical testing. Allele origin: germline.
Comment: The c.345T>G variant in PEX7 is a nonsense variant predicted to introduce a stop codon at amino acid 115. This variant is expected to result in nonsense mediated decay, truncation, or a dysfunctional protein product. This variant is rare in the general population with a frequency below the threshold expected for the associated phenotype(s). This variant has been observed in one or more individuals affected with the associated recessive disease, as either homozygous or compound heterozygous with a second variant (PMID: 12325024). Given the available evidence, this variant is classified as Pathogenic.

Baylor Genetics
Classification: Pathogenic for Peroxisome biogenesis disorder 9B. Last evaluated: 2023-12-28. Review status: criteria provided, single submitter. Criteria: ACMG Guidelines, 2015. Collection method: clinical testing. Allele origin: unknown.

Labcorp Genetics (formerly Invitae), Labcorp
Classification: Pathogenic for Peroxisome biogenesis disorder 9B. Last evaluated: 2023-10-26. Review status: criteria provided, single submitter. Criteria: Invitae Variant Classification Sherloc (09022015). Collection method: clinical testing. Allele origin: germline.
Comment: This sequence change creates a premature translational stop signal (p.Tyr115*) in the PEX7 gene. It is expected to result in an absent or disrupted protein product. Loss-of-function variants in PEX7 are known to be pathogenic (PMID: 12325024, 12522768, 20301447). This variant is present in population databases (rs121909154, gnomAD 0.009%). This premature translational stop signal has been observed in individual(s) with rhizomelic chondrodysplasia punctata type 1 (PMID: 11781871). ClinVar contains an entry for this variant (Variation ID: 7786). For these reasons, this variant has been classified as Pathogenic.

Women's Health and Genetics/Laboratory Corporation of America, LabCorp
Classification: Pathogenic for Rhizomelic chondrodysplasia punctata type 1. Last evaluated: 2018-05-24. Review status: criteria provided, single submitter. Criteria: LabCorp Variant Classification Summary - May 2015. Collection method: clinical testing. Allele origin: germline.
Comment: Variant summary: PEX7 c.345T>G (p.Tyr115X) results in a premature termination codon, predicted to cause a truncation of the encoded protein or absence of the protein due to nonsense mediated decay, which are commonly known mechanisms for disease. One functional study confirmed that this variant is triggering nonsense-mediated decay with lack of a full length transcript (Braverman_2002). The variant allele was found at a frequency of 4.1e-05 in 246196 control chromosomes (gnomAD). This frequency is not higher than expected for a pathogenic variant in PEX7 causing Rhizomelic Chondrodysplasia Punctata Type 1 (4.1e-05 vs 1.90e-03), allowing no conclusion about variant significance. The variant, c.345T>G, has been reported in the literature in individuals affected with Rhizomelic Chondrodysplasia Punctata Type 1 (Motley_PEX7_AMJHumGenet_2002) and the subphenotype adult Refsum disease (ARD) when found in compound heterozygosity with IVS3-10A>G (Braverman_2002). One clinical diagnostic laboratory has submitted clinical-significance assessments for this variant to ClinVar after 2014 without evidence for independent evaluation and classifies the variant as likely pathogenic. Based on the evidence outlined above, the variant was classified as pathogenic.

Counsyl
Classification: Likely pathogenic for Rhizomelic chondrodysplasia punctata type 1. Last evaluated: 2016-04-05. Review status: no assertion criteria provided. Collection method: clinical testing. Allele origin: unknown. Not counted in ClinVar's aggregate classification.

OMIM
Classification: Pathogenic for PEROXISOME BIOGENESIS DISORDER 9B. Last evaluated: 2007-02-27. Review status: no assertion criteria provided. Collection method: literature only. Allele origin: germline. Not counted in ClinVar's aggregate classification.

Literature cited by the submitters: PubMed 12325024 (cited by 5 submitters); PubMed 12522768 (cited by Labcorp Genetics (formerly Invitae), Labcorp); PubMed 20301447 (cited by Labcorp Genetics (formerly Invitae), Labcorp); PubMed 11781871 (cited by 3 submitters); PubMed 25851898 (cited by Women's Health and Genetics/Laboratory Corporation of America, LabCorp); PubMed 14974078 (cited by Women's Health and Genetics/Laboratory Corporation of America, LabCorp); PubMed 17325280 (cited by Counsyl and OMIM).

NM_000288.4(PEX7):c.345T>G (p.Tyr115Ter)

Gene: PEX7 (peroxisomal biogenesis factor 7; plus strand). Cytogenetic location: 6q23.3.
Variant type: single nucleotide variant.
Coding change: c.345T>G on transcript NM_000288.4 (MANE Select); coding-DNA position 345, T replaced by G.
Protein change: p.Tyr115Ter; replaces tyrosine 115 with a stop codon.
Molecular consequence: nonsense.
Genome position (GRCh38, 1-based): chr6:136,845,620, T>G. VCF-style: chr6-136845620-T-G. GRCh37 (hg19) VCF-style: chr6-137166758-T-G.
Other names: short protein forms Y115*.
Identifiers: ClinVar variation 7786 (VCV000007786.17), dbSNP rs121909154, ClinGen allele CA119072.